The following is an entry in ClinVar:

NM_018006.5(TRMU):c.28G>T (p.Ala10Ser)

Gene: TRMU (tRNA mitochondrial 2-thiouridylase; plus strand). Cytogenetic location: 22q13.31.
Variant type: single nucleotide variant.
Coding change: c.28G>T on transcript NM_018006.5 (MANE Select); coding-DNA position 28, G replaced by T.
Protein change: p.Ala10Ser; replaces alanine 10 with serine.
Molecular consequence: missense variant. On other transcripts: 5 prime UTR variant (3), non-coding transcript variant (2).
Genome position (GRCh38, 1-based): chr22:46,335,792, G>T. VCF-style: chr22-46335792-G-T. GRCh37 (hg19) VCF-style: chr22-46731689-G-T.
Other names: TRMU, 28G-T, ALA10SER; p.A10S:GCC>TCC; c.-208G>T (NM_001282782.2); c.-227G>T (NM_001282783.2, NM_001282784.2); c.28G>T, p.Ala10Ser (NM_001282785.2); short protein forms A10S.
Identifiers: ClinVar variation 1290 (VCV000001290.36), dbSNP rs11090865, ClinGen allele CA114910.

ClinVar aggregate classification (germline): Benign/Likely benign. Review status: criteria provided, multiple submitters, no conflicts (2 of 4 stars). 13 submissions from 13 submitters: Benign (6); Likely benign (3). 4 of the submissions do not count toward it. Last evaluated 2026-02-04.

Conditions:
Acute infantile liver failure due to synthesis defect of mtDNA-encoded proteins. Also called: Liver failure acute infantile; TRMU Deficiency; LIVER FAILURE, INFANTILE, TRANSIENT. Identifiers: Orphanet 217371, MedGen C3278664, MONDO:0013111, OMIM 613070.
Aminoglycoside-induced deafness. Also called: STREPTOMYCIN OTOTOXICITY; DEAFNESS, STREPTOMYCIN-INDUCED; MT-RNR1-Related Hearing Loss and Deafness. Identifiers: Orphanet 168609, MedGen C1838854, MONDO:0010799, OMIM 580000.
Deafness, mitochondrial, modifier of. Identifiers: MedGen C4017209.

Allele frequency attached by ClinVar (database versions not stated): gnomAD exomes 0.09003; 1000 Genomes Project 0.10563; 1000 Genomes Project 30x 0.10821; gnomAD 0.12927 and 0.13476; TOPMed 0.13178; ExAC 0.19670.
gnomAD v4.1: 161,835 of 1,560,954 alleles (10%); highest among the groups gnomAD compares: African/African-American, 22%; 9,396 homozygotes.

Submissions (13):

Labcorp Genetics (formerly Invitae), Labcorp
Classification: Benign. Last evaluated: 2026-02-04. Review status: criteria provided, single submitter. Criteria: Invitae Variant Classification Sherloc (09022015). Collection method: clinical testing. Allele origin: germline.

ARUP Laboratories, Molecular Genetics and Genomics, ARUP Laboratories
Classification: Benign. Last evaluated: 2023-11-11. Review status: criteria provided, single submitter. Criteria: ARUP Molecular Germline Variant Investigation Process 2024. Collection method: clinical testing. Allele origin: germline.

Women's Health and Genetics/Laboratory Corporation of America, LabCorp
Classification: Likely benign. Last evaluated: 2021-12-03. Review status: criteria provided, single submitter. Criteria: LabCorp Variant Classification Summary - May 2015. Collection method: clinical testing. Allele origin: germline.

Fulgent Genetics
Classification: Likely benign for Aminoglycoside-induced deafness; Acute infantile liver failure due to synthesis defect of mtDNA-encoded proteins. Last evaluated: 2021-11-02. Review status: criteria provided, single submitter. Criteria: ACMG Guidelines, 2015. Collection method: clinical testing. Allele origin: unknown.

Genome-Nilou Lab
Classification: Benign for Acute infantile liver failure due to synthesis defect of mtDNA-encoded proteins. Last evaluated: 2021-07-10. Review status: criteria provided, single submitter. Criteria: ACMG Guidelines, 2015. Collection method: clinical testing. Allele origin: germline. Affected: no.

Illumina Laboratory Services, Illumina
Classification: Benign for Acute infantile liver failure due to synthesis defect of mtDNA-encoded proteins. Last evaluated: 2018-03-06. Review status: criteria provided, single submitter. Criteria: ICSL Variant Classification Criteria 13 December 2019. Collection method: clinical testing. Allele origin: germline.
Comment: This variant was observed in the ICSL laboratory as part of a predisposition screen in an ostensibly healthy population. It had not been previously curated by ICSL or reported in the Human Gene Mutation Database (HGMD: prior to June 1st, 2018), and was therefore a candidate for classification through an automated scoring system. Utilizing variant allele frequency, disease prevalence and penetrance estimates, and inheritance mode, an automated score was calculated to assess if this variant is too frequent to cause the disease. Based on the score and internal cut-off values, a variant classified as benign is not then subjected to further curation. The score for this variant resulted in a classification of benign for this disease.

Eurofins Ntd Llc (ga)
Classification: Benign. Last evaluated: 2014-12-12. Review status: criteria provided, single submitter. Criteria: EGL Classification Definitions 2015. Collection method: clinical testing. Allele origin: germline. Observed: 3 variant alleles, 2 heterozygotes, 1 homozygote.

GeneDx
Classification: Benign. Last evaluated: 2012-05-23. Review status: criteria provided, single submitter. Criteria: GeneDx Variant Classification (06012015). Collection method: clinical testing. Allele origin: germline. Affected: yes.
Comment: This variant is considered likely benign or benign based on one or more of the following criteria: it is a conservative change, it occurs at a poorly conserved position in the protein, it is predicted to be benign by multiple in silico algorithms, and/or has population frequency not consistent with disease.

Breakthrough Genomics
Classification: Likely benign. Review status: criteria provided, single submitter. Criteria: ACMG Guidelines, 2015. Collection method: not provided. Allele origin: germline. Inheritance: Autosomal dominant inheritance. Affected: yes.

Natera, Inc.
Classification: Benign for Transient infantile liver failure. Last evaluated: 2020-09-16. Review status: no assertion criteria provided. Collection method: clinical testing. Allele origin: germline. Not counted in ClinVar's aggregate classification.

Counsyl
Classification: Benign for Acute infantile liver failure due to synthesis defect of mtDNA-encoded proteins. Last evaluated: 2017-09-11. Review status: no assertion criteria provided. Collection method: clinical testing. Allele origin: unknown. Not counted in ClinVar's aggregate classification.

OMIM
Classification: risk factor for DEAFNESS, MITOCHONDRIAL, MODIFIER OF. Last evaluated: 2017-08-23. Review status: no assertion criteria provided. Collection method: literature only. Allele origin: germline. Not counted in ClinVar's aggregate classification.

Mayo Clinic Laboratories, Mayo Clinic
Classification: Benign. Last evaluated: 2016-02-22. Review status: no assertion criteria provided. Collection method: clinical testing. Allele origin: unknown. Not counted in ClinVar's aggregate classification.

Literature cited by the submitters: PubMed 8817331 (cited by OMIM); PubMed 28049726 (cited by OMIM).